The following is an entry in ClinVar:

NM_004006.3(DMD):c.8605G>C (p.Val2869Leu)

Gene: DMD (dystrophin; minus strand). Cytogenetic location: Xp21.2.
Variant type: single nucleotide variant.
Coding change: c.8605G>C on transcript NM_004006.3 (MANE Select); coding-DNA position 8605, G replaced by C.
Protein change: p.Val2869Leu; replaces valine 2869 with leucine.
Molecular consequence: missense variant.
Genome position (GRCh38, 1-based): chrX:31,479,046, C>G on the plus strand (G>C on the coding strand, the complement: DMD is on the minus strand). VCF-style: chrX-31479046-C-G. GRCh37 (hg19) VCF-style: chrX-31497163-C-G.
Other names: c.8581G>C, p.Val2861Leu (NM_000109.4); c.8593G>C, p.Val2865Leu (NM_004009.3); c.8236G>C, p.Val2746Leu (NM_004010.3); c.4582G>C, p.Val1528Leu (NM_004011.4); c.4573G>C, p.Val1525Leu (NM_004012.4); c.1225G>C, p.Val409Leu (NM_004013.3, NM_004020.4, NM_004021.3 and 2 more transcripts); c.418G>C, p.Val140Leu (NM_004014.3); short protein forms V140L, V2869L, V2746L, V2861L, V1528L, V2865L, V409L, V1525L.
Identifiers: ClinVar variation 943056 (VCV000943056.13), dbSNP rs2068037888, ClinGen allele CA412654561.
Genomic context (GRCh38, chrX:31,479,046, plus strand): 5'-TGGGCTCCTGGTAGAGTTTCTCTAGTCCTTCCAAAGGCTGCTCTGTCAGAAATATTCGTA[C>G]AGTCTCAAGAGTACTCATGATTACAGGTTCTTTAGTTTTCAATTCCCTCTTGAAGGCCTG-3'
Protein context (NP_003997.2, residues 2859-2879): EPVIMSTLET[Val2869Leu]RIFLTEQPLE

ClinVar aggregate classification (germline): Uncertain significance. Review status: criteria provided, multiple submitters, no conflicts (2 of 4 stars). 3 submissions from 3 submitters: Uncertain significance (2). 1 of the submissions does not count toward it. Last evaluated 2025-06-19.

Conditions:
Cardiovascular phenotype. Identifiers: MedGen CN230736.
Duchenne muscular dystrophy (DMD). Also called: Duchenne Muscular Dystrophy (DMD); MUSCULAR DYSTROPHY, PSEUDOHYPERTROPHIC PROGRESSIVE, DUCHENNE TYPE. Identifiers: Orphanet 98896, MedGen C0013264, MONDO:0010679, OMIM 310200.
Cardiomyopathy (CMYO). Also called: Cardiomyopathies. Identifiers: Orphanet 167848, MedGen C0878544, MONDO:0004994, HP:0001638. Inheritance: Various modes of inheritance.
Dystrophin deficiency.
Becker muscular dystrophy (BMD). Also called: MUSCULAR DYSTROPHY, PSEUDOHYPERTROPHIC PROGRESSIVE, BECKER TYPE; Becker Muscular Dystrophy (BMD). Identifiers: Orphanet 98895, MedGen C0917713, MONDO:0010311, OMIM 300376.

Allele frequency attached by ClinVar (database versions not stated): gnomAD 0.00001; TOPMed 0.00003.
gnomAD v4.1: 2 of 1,205,810 alleles (0.00017%); no homozygotes.

Submissions (3):

Labcorp Genetics (formerly Invitae), Labcorp
Classification: Uncertain significance for Duchenne muscular dystrophy. Last evaluated: 2025-06-19. Review status: criteria provided, single submitter. Criteria: Invitae Variant Classification Sherloc (09022015). Collection method: clinical testing. Allele origin: germline.
Comment: This sequence change replaces valine, which is neutral and non-polar, with leucine, which is neutral and non-polar, at codon 2869 of the DMD protein (p.Val2869Leu). This variant is not present in population databases (gnomAD no frequency). This variant has not been reported in the literature in individuals affected with DMD-related conditions. ClinVar contains an entry for this variant (Variation ID: 943056). Invitae Evidence Modeling of protein sequence and biophysical properties (such as structural, functional, and spatial information, amino acid conservation, physicochemical variation, residue mobility, and thermodynamic stability) indicates that this missense variant is not expected to disrupt DMD protein function with a negative predictive value of 95%. In summary, the available evidence is currently insufficient to determine the role of this variant in disease. Therefore, it has been classified as a Variant of Uncertain Significance.

Ambry Genetics
Classification: Uncertain significance for Cardiovascular phenotype. Last evaluated: 2022-01-25. Review status: criteria provided, single submitter. Criteria: Ambry Variant Classification Scheme 2023. Collection method: clinical testing. Allele origin: germline.
Comment: The p.V2869L variant (also known as c.8605G>C), located in coding exon 58 of the DMD gene, results from a G to C substitution at nucleotide position 8605. The valine at codon 2869 is replaced by leucine, an amino acid with highly similar properties. This amino acid position is well conserved in available vertebrate species. In addition, this alteration is predicted to be tolerated by in silico analysis. Since supporting evidence is limited at this time, the clinical significance of this alteration remains unclear.

Natera, Inc.
Classification: Uncertain significance for Becker muscular dystrophy; Cardiomyopathy; Duchenne muscular dystrophy; Dystrophin deficiency. Last evaluated: 2020-06-15. Review status: no assertion criteria provided. Collection method: clinical testing. Allele origin: germline. Not counted in ClinVar's aggregate classification.